The following is an entry in ClinVar:

NM_000138.5(FBN1):c.5603C>G (p.Thr1868Arg)

Gene: FBN1 (fibrillin 1; minus strand). Cytogenetic location: 15q21.1.
Variant type: single nucleotide variant.
Coding change: c.5603C>G on transcript NM_000138.5 (MANE Select); coding-DNA position 5603, C replaced by G.
Protein change: p.Thr1868Arg; replaces threonine 1868 with arginine.
Molecular consequence: missense variant.
Genome position (GRCh38, 1-based): chr15:48,448,836, G>C on the plus strand (C>G on the coding strand, the complement: FBN1 is on the minus strand). VCF-style: chr15-48448836-G-C. GRCh37 (hg19) VCF-style: chr15-48741033-G-C.
Other names: short protein forms T1868R.
Identifiers: ClinVar variation 918768 (VCV000918768.17), dbSNP rs145082616, ClinGen allele CA269535028.

ClinVar aggregate classification (germline): Uncertain significance. Review status: criteria provided, multiple submitters, no conflicts (2 of 4 stars). 5 submissions from 5 submitters: Uncertain significance (5). Last evaluated 2025-08-04.

Conditions:
Familial thoracic aortic aneurysm and aortic dissection (TAAD). Also called: Thoracic aortic aneurysms and dissections. Identifiers: Orphanet 91387, MedGen C4707243, MONDO:0019625.
Marfan syndrome (MFS). Also called: Marfan syndrome, classic; Marfan syndrome type 1; Marfan's syndrome; FBN1-Related Marfan Syndrome; MARFAN SYNDROME, TYPE I. Identifiers: Orphanet 284963, Orphanet 558, MedGen C0024796, MONDO:0007947, OMIM 154700.
Weill-Marchesani syndrome 2, dominant. Also called: FBN1-Related Weill-Marchesani Syndrome; Weill-Marchesani Syndrome, Autosomal Dominant. Identifiers: Orphanet 2084, MedGen C1869115, MONDO:0012013, OMIM 608328.
Progeroid and marfanoid aspect-lipodystrophy syndrome. Also called: MARFANOID-PROGEROID SYNDROME; MARFAN-PROGEROID-LIPODYSTROPHY SYNDROME; Marfan lipodystrophy syndrome; MARFANOID-PROGEROID-LIPODYSTROPHY SYNDROME. Identifiers: Orphanet 300382, MedGen C4310796, MONDO:0014831, OMIM 616914.
Acromicric dysplasia (ACMICD). Also called: Acromicric skeletal dysplasia. Identifiers: Orphanet 969, MedGen C0265287, MONDO:0007055, OMIM 102370.
Ectopia lentis 1, isolated, autosomal dominant (ECTOL1). Identifiers: Orphanet 1885, MedGen C3541518, MONDO:0007514, OMIM 129600.
Geleophysic dysplasia 2 (GPHYSD2). Identifiers: Orphanet 2623, MedGen C3280054, MONDO:0013612, OMIM 614185.
MASS syndrome (OCTD). Also called: OVERLAP CONNECTIVE TISSUE DISEASE; MASS PHENOTYPE. Identifiers: MedGen C1858556, MONDO:0011431, OMIM 604308.
Stiff skin syndrome (SSKS). Identifiers: Orphanet 2833, MedGen C1861456, MONDO:0008492, OMIM 184900.

gnomAD v4.1: 17 of 1,612,176 alleles (0.0011%); highest among the groups gnomAD compares: Non-Finnish European, 0.0014%; no homozygotes.

Submissions (5):

Labcorp Genetics (formerly Invitae), Labcorp
Classification: Uncertain significance for Marfan syndrome; Familial thoracic aortic aneurysm and aortic dissection. Last evaluated: 2025-08-04. Review status: criteria provided, single submitter. Criteria: Invitae Variant Classification Sherloc (09022015). Collection method: clinical testing. Allele origin: germline.
Comment: This sequence change replaces threonine, which is neutral and polar, with arginine, which is basic and polar, at codon 1868 of the FBN1 protein (p.Thr1868Arg). This variant is present in population databases (rs145082616, gnomAD 0.003%). This variant has not been reported in the literature in individuals affected with FBN1-related conditions. ClinVar contains an entry for this variant (Variation ID: 918768). Invitae Evidence Modeling of protein sequence and biophysical properties (such as structural, functional, and spatial information, amino acid conservation, physicochemical variation, residue mobility, and thermodynamic stability) has been performed for this missense variant. However, the output from this modeling did not meet the statistical confidence thresholds required to predict the impact of this variant on FBN1 protein function. In summary, the available evidence is currently insufficient to determine the role of this variant in disease. Therefore, it has been classified as a Variant of Uncertain Significance.

Color Diagnostics, LLC DBA Color Health
Classification: Uncertain significance for Familial thoracic aortic aneurysm and aortic dissection. Last evaluated: 2024-03-06. Review status: criteria provided, single submitter. Criteria: ACMG Guidelines, 2015. Collection method: clinical testing. Allele origin: germline.
Comment: This missense variant replaces threonine with arginine at codon 1868 of the FBN1 protein. Computational prediction suggests that this variant may not impact protein structure and function (internally defined REVEL score threshold <= 0.5, PMID: 27666373). To our knowledge, functional studies have not been reported for this variant. This variant has not been reported in individuals affected with FBN1-related disorders in the literature. This variant has been identified in 3/250890 chromosomes in the general population by the Genome Aggregation Database (gnomAD). The available evidence is insufficient to determine the role of this variant in disease conclusively. Therefore, this variant is classified as a Variant of Uncertain Significance.

Ambry Genetics
Classification: Uncertain significance for Familial thoracic aortic aneurysm and aortic dissection. Last evaluated: 2023-09-08. Review status: criteria provided, single submitter. Criteria: Ambry Variant Classification Scheme 2023. Collection method: clinical testing. Allele origin: germline.
Comment: The p.T1868R variant (also known as c.5603C>G), located in coding exon 45 of the FBN1 gene, results from a C to G substitution at nucleotide position 5603. The threonine at codon 1868 is replaced by arginine, an amino acid with similar properties. This amino acid position is well conserved in available vertebrate species. In addition, the in silico prediction for this alteration is inconclusive. Since supporting evidence is limited at this time, the clinical significance of this alteration remains unclear.

All of Us Research Program, National Institutes of Health
Classification: Uncertain significance for Marfan syndrome. Last evaluated: 2023-06-08. Review status: criteria provided, single submitter. Criteria: ACMG Guidelines, 2015. Collection method: clinical testing. Allele origin: germline. Inheritance: Autosomal dominant inheritance. Observed: 1 variant allele, 1 heterozygote.
Comment: This missense variant replaces threonine with arginine at codon 1868 of the FBN1 protein. Computational prediction tools and conservation analyses suggest that this variant may have deleterious impact on the protein function. Computational splicing tools suggest that this variant may not impact RNA splicing. To our knowledge, functional assays have not been performed for this variant nor has this variant been reported in individuals affected with cardiovascular disorders in the literature. This variant has been identified in 3/250890 chromosomes in the general population by the Genome Aggregation Database (gnomAD). Available evidence is insufficient to determine the role of this variant in disease conclusively. Therefore, this variant is classified as a Variant of Uncertain Significance.

This study involves interpretation of variants in research participants for the purpose of population health screening. Participant phenotype was not available at the time of variant classification. Additional details can be found in publication PMID: 35346344, PMCID: PMC8962531

Fulgent Genetics
Classification: Uncertain significance for Acromicric dysplasia; Ectopia lentis 1, isolated, autosomal dominant; Marfan syndrome; Stiff skin syndrome; MASS syndrome; Weill-Marchesani syndrome 2, dominant; Geleophysic dysplasia 2; Progeroid and marfanoid aspect-lipodystrophy syndrome. Last evaluated: 2021-08-11. Review status: criteria provided, single submitter. Criteria: ACMG Guidelines, 2015. Collection method: clinical testing. Allele origin: unknown.